The following is an entry in ClinVar:

NM_032122.5(DTNBP1):c.*54G>A

Gene: DTNBP1 (dystrobrevin binding protein 1; minus strand). Cytogenetic location: 6p22.3.
Variant type: single nucleotide variant.
Coding change: c.*54G>A on transcript NM_032122.5 (MANE Select); 54 bases downstream of the stop codon, G replaced by A.
Molecular consequence: 3 prime UTR variant.
Genome position (GRCh38, 1-based): chr6:15,522,921, C>T on the plus strand (G>A on the coding strand, the complement: DTNBP1 is on the minus strand). VCF-style: chr6-15522921-C-T. GRCh37 (hg19) VCF-style: chr6-15523152-C-T.
Other names: NC_000006.11:g.15523152C>T; c.*54G>A (NM_001271667.2, NM_001271668.2, NM_001271669.2 and 1 more transcripts).
Identifiers: ClinVar variation 1706688 (VCV001706688.3), dbSNP rs138406667, ClinGen allele CA134843908.

ClinVar aggregate classification (germline): Likely benign (1 of 4 stars; one submission).

Allele frequency attached by ClinVar (database versions not stated): 1000 Genomes Project 0.00659; gnomAD 0.00699; 1000 Genomes Project 30x 0.00750; TOPMed 0.00801.
gnomAD v4.1: 2,222 of 1,614,034 alleles (0.14%); highest among the groups gnomAD compares: African/African-American, 2.5%; 26 homozygotes.

Submissions (7):

GeneDx
Classification: Likely benign. Last evaluated: 2018-07-05. Review status: criteria provided, single submitter. Criteria: GeneDx Variant Classification Process June 2021. Collection method: clinical testing. Allele origin: germline. Affected: yes.
Comment: See Variant Classification Assertion Criteria.

Dr. Peter K. Rogan Lab, Western University
No classification provided (evidence only). Condition: Familial cancer of breast. Review status: no classification provided. Collection method: in vitro. Allele origin: not applicable. Functional consequence: retained intron. Not counted in ClinVar's aggregate classification.

Dr. Peter K. Rogan Lab, Western University
No classification provided (evidence only). Condition: Thyroid cancer, nonmedullary, 1. Review status: no classification provided. Collection method: in vitro. Allele origin: not applicable. Functional consequence: retained intron. Not counted in ClinVar's aggregate classification.

Dr. Peter K. Rogan Lab, Western University
No classification provided (evidence only). Condition: Uterine corpus endometrial carcinoma. Review status: no classification provided. Collection method: in vitro. Allele origin: not applicable. Functional consequence: retained intron. Not counted in ClinVar's aggregate classification.

Dr. Peter K. Rogan Lab, Western University
No classification provided (evidence only). Condition: Cervical cancer. Review status: no classification provided. Collection method: in vitro. Allele origin: not applicable. Functional consequence: retained intron. Not counted in ClinVar's aggregate classification.

Dr. Peter K. Rogan Lab, Western University
No classification provided (evidence only). Condition: Cervical cancer. Review status: no classification provided. Collection method: in vitro. Allele origin: not applicable. Functional consequence: retained intron. Not counted in ClinVar's aggregate classification.

Dr. Peter K. Rogan Lab, Western University
No classification provided (evidence only). Condition: Uterine carcinosarcoma. Review status: no classification provided. Collection method: in vitro. Allele origin: not applicable. Functional consequence: retained intron. Not counted in ClinVar's aggregate classification.